The following is an entry in ClinVar:

ClinVar aggregate classification (germline): Benign (1 of 4 stars; one submission).

Conditions:
DNMBP-related disorder. Also called: DNMBP-related condition.

gnomAD v4.1: 262,206 of 702,688 alleles (37%); highest among the groups gnomAD compares: African/African-American, 53%; 50,347 homozygotes.

Submission:

PreventionGenetics, part of Exact Sciences
Classification: Benign for DNMBP-related condition. Last evaluated: 2025-06-13. Review status: criteria provided, single submitter. Criteria: ACMG Guidelines, 2015. Collection method: clinical testing. Allele origin: germline.
Comment: This variant is classified as benign based on ACMG/AMP sequence variant interpretation guidelines (Richards et al. 2015 PMID: 25741868, with internal and published modifications).

NM_015221.4(DNMBP):c.2261-21147G>A

Genes: DNMBP (dynamin binding protein; minus strand), DNMBP-AS1 (DNMBP antisense RNA 1; plus strand). Cytogenetic location: 10q24.2.
Variant type: single nucleotide variant.
Coding change: c.2261-21147G>A on transcript NM_015221.4 (MANE Select); 21147 bases into the intron before coding-DNA position 2261, G replaced by A.
Molecular consequence: intron variant. On other transcripts: synonymous variant (1).
Genome position (GRCh38, 1-based): chr10:99,930,293, C>T on the plus strand (G>A on the coding strand, the complement: DNMBP is on the minus strand). VCF-style: chr10-99930293-C-T. GRCh37 (hg19) VCF-style: chr10-101690050-C-T.
Other names: c.471G>A, p.Gln157= (NM_001318326.2); c.2261-21147G>A (NM_001441288.1, NM_001441287.1).
Identifiers: ClinVar variation 4977505 (VCV004977505.1).